The following is an entry in ClinVar:

ClinVar aggregate classification (germline): Likely benign. Review status: criteria provided, multiple submitters, no conflicts (2 of 4 stars). 2 submissions from 2 submitters: Likely benign (2). Last evaluated 2026-07-01.

Allele frequency attached by ClinVar (database versions not stated): ESP Exome Variant Server 0.00008; ExAC 0.00001; gnomAD 0.00001; gnomAD exomes 0.00001 and 0.00002; TOPMed 0.00005.
gnomAD v4.1: 24 of 1,613,814 alleles (0.0015%); highest among the groups gnomAD compares: Middle Eastern, 0.016%; no homozygotes.

Submissions (2):

CeGaT Center for Human Genetics Tuebingen
Classification: Likely benign. Last evaluated: 2026-07-01. Review status: criteria provided, single submitter. Criteria: CeGaT Center For Human Genetics Tuebingen Variant Classification Criteria Version 2. Collection method: clinical testing. Allele origin: germline. Affected: yes. Observed: 1 variant allele.
Comment: AP3B2: BP4, BP7

Labcorp Genetics (formerly Invitae), Labcorp
Classification: Likely benign. Last evaluated: 2025-10-24. Review status: criteria provided, single submitter. Criteria: Invitae Variant Classification Sherloc (09022015). Collection method: clinical testing. Allele origin: germline.

NM_001278512.2(AP3B2):c.3090G>C (p.Val1030=)

Genes: AP3B2 (adaptor related protein complex 3 subunit beta 2; minus strand), CPEB1-AS1 (CPEB1 antisense RNA 1; plus strand). Cytogenetic location: 15q25.2.
Variant type: single nucleotide variant.
Coding change: c.3090G>C on transcript NM_001278512.2 (MANE Select); coding-DNA position 3090, G replaced by C.
Protein change: p.Val1030=; no amino-acid change (valine 1030 retained).
Molecular consequence: synonymous variant.
Genome position (GRCh38, 1-based): chr15:82,659,910, C>G on the plus strand (G>C on the coding strand, the complement: AP3B2 is on the minus strand). VCF-style: chr15-82659910-C-G. GRCh37 (hg19) VCF-style: chr15-83328662-C-G.
Other names: c.2937G>C, p.Val979= (NM_001278511.2); c.222G>C, p.Val74= (NM_001348441.2); c.3033G>C, p.Val1011= (NM_004644.5).
Identifiers: ClinVar variation 1674100 (VCV001674100.9), dbSNP rs370335674, ClinGen allele CA7699702.
Genomic context (GRCh38, chr15:82,659,910, plus strand): 5'-CTCATCAGATGTCCCACAAGGAACACGACCCAGGTTGGCAGTGGCAGTCACTTTCTGCAC[C>G]ACAATGTGGTCACTCCGACAGGTGTCTGGCAGCATGAGTTTCTCTGTGATCTCATTCATG-3'
Protein context (NP_001265441.1, residues 1020-1040): LPDTCRSDHI[Val1030=]VQKVTATANL